The following is an entry in ClinVar:

ClinVar aggregate classification (germline): Benign. Review status: criteria provided, single submitter (1 of 4 stars). 2 submissions from 2 submitters: Benign (1). 1 of the submissions does not count toward it. Last evaluated 2026-01-09.

Conditions:
ATP5F1D-related disorder. Also called: ATP5F1D-related condition.

Allele frequency attached by ClinVar (database versions not stated): gnomAD exomes 0.00065; TOPMed 0.00132; 1000 Genomes Project 30x 0.00422; 1000 Genomes Project 0.00499.
gnomAD v4.1: 1,127 of 1,542,418 alleles (0.073%); highest among the groups gnomAD compares: East Asian, 1.9%; 13 homozygotes.

Submissions (2):

Labcorp Genetics (formerly Invitae), Labcorp
Classification: Benign. Last evaluated: 2026-01-09. Review status: criteria provided, single submitter. Criteria: Invitae Variant Classification Sherloc (09022015). Collection method: clinical testing. Allele origin: germline.

PreventionGenetics, part of Exact Sciences
Classification: Benign for ATP5F1D-related condition. Last evaluated: 2019-08-07. Review status: no assertion criteria provided. Collection method: clinical testing. Allele origin: germline. Not counted in ClinVar's aggregate classification.
Comment: This variant is classified as benign based on ACMG/AMP sequence variant interpretation guidelines (Richards et al. 2015 PMID: 25741868, with internal and published modifications).

NM_001687.5(ATP5F1D):c.261G>C (p.Val87=)

Gene: ATP5F1D (ATP synthase F1 subunit delta; plus strand). Cytogenetic location: 19p13.3.
Variant type: single nucleotide variant.
Coding change: c.261G>C on transcript NM_001687.5 (MANE Select); coding-DNA position 261, G replaced by C.
Protein change: p.Val87=; no amino-acid change (valine 87 retained).
Molecular consequence: synonymous variant.
Genome position (GRCh38, 1-based): chr19:1,242,575, G>C. VCF-style: chr19-1242575-G-C. GRCh37 (hg19) VCF-style: chr19-1242574-G-C.
Other names: c.261G>C (NM_001001975.1); c.261G>C, p.Val87= (NM_001001975.2).
Identifiers: ClinVar variation 1682809 (VCV001682809.10), dbSNP rs12608755, ClinGen allele CA9040242.